The following is an entry in ClinVar:

NM_004787.4(SLIT2):c.3148G>A (p.Asp1050Asn)

Gene: SLIT2 (slit guidance ligand 2; plus strand). Cytogenetic location: 4p15.31.
Variant type: single nucleotide variant.
Coding change: c.3148G>A on transcript NM_004787.4 (MANE Select); coding-DNA position 3148, G replaced by A.
Protein change: p.Asp1050Asn; replaces aspartic acid 1050 with asparagine.
Molecular consequence: missense variant.
Genome position (GRCh38, 1-based): chr4:20,589,703, G>A. VCF-style: chr4-20589703-G-A. GRCh37 (hg19) VCF-style: chr4-20591326-G-A.
Other names: c.3136G>A, p.Asp1046Asn (NM_001289135.3); c.3124G>A, p.Asp1042Asn (NM_001289136.3); short protein forms D1042N, D1050N, D1046N.
Identifiers: ClinVar variation 2347926 (VCV002347926.4), dbSNP rs767065134, ClinGen allele CA2872072.

ClinVar aggregate classification (germline): Uncertain significance. Review status: criteria provided, multiple submitters, no conflicts (2 of 4 stars). 2 submissions from 2 submitters: Uncertain significance (2). Last evaluated 2025-08-26.

Allele frequency attached by ClinVar (database versions not stated): gnomAD 0.00001; ExAC 0.00006; TOPMed 0.00007.
gnomAD v4.1: 88 of 1,613,650 alleles (0.0055%); highest among the groups gnomAD compares: Admixed American, 0.045%; no homozygotes.

Submissions (2):

Labcorp Genetics (formerly Invitae), Labcorp
Classification: Uncertain significance. Last evaluated: 2025-08-26. Review status: criteria provided, single submitter. Criteria: Invitae Variant Classification Sherloc (09022015). Collection method: clinical testing. Allele origin: germline.
Comment: This sequence change replaces aspartic acid, which is acidic and polar, with asparagine, which is neutral and polar, at codon 1050 of the SLIT2 protein (p.Asp1050Asn). This variant is present in population databases (rs767065134, gnomAD 0.07%), and has an allele count higher than expected for a pathogenic variant. This variant has not been reported in the literature in individuals affected with SLIT2-related conditions. ClinVar contains an entry for this variant (Variation ID: 2347926). An algorithm developed to predict the effect of missense changes on protein structure and function (PolyPhen-2) suggests that this variant is likely to be disruptive. In summary, the available evidence is currently insufficient to determine the role of this variant in disease. Therefore, it has been classified as a Variant of Uncertain Significance.

Ambry Genetics
Classification: Uncertain significance. Last evaluated: 2025-08-22. Review status: criteria provided, single submitter. Criteria: Ambry Variant Classification Scheme 2023. Collection method: clinical testing. Allele origin: germline.